The following is an entry in ClinVar:

NM_172364.5(CACNA2D4):c.629C>T (p.Pro210Leu)

Gene: CACNA2D4 (calcium voltage-gated channel auxiliary subunit alpha2delta 4; minus strand). Cytogenetic location: 12p13.33.
Variant type: single nucleotide variant.
Coding change: c.629C>T on transcript NM_172364.5 (MANE Select); coding-DNA position 629, C replaced by T.
Protein change: p.Pro210Leu; replaces proline 210 with leucine.
Molecular consequence: missense variant.
Genome position (GRCh38, 1-based): chr12:1,907,895, G>A on the plus strand (C>T on the coding strand, the complement: CACNA2D4 is on the minus strand). VCF-style: chr12-1907895-G-A. GRCh37 (hg19) VCF-style: chr12-2017061-G-A.
Other names: short protein forms P210L.
Identifiers: ClinVar variation 1713502 (VCV001713502.6), dbSNP rs893757017, ClinGen allele CA231581886.

ClinVar aggregate classification (germline): Uncertain significance. Review status: criteria provided, multiple submitters, no conflicts (2 of 4 stars). 2 submissions from 2 submitters: Uncertain significance (2). Last evaluated 2025-09-28.

Allele frequency attached by ClinVar (database versions not stated): gnomAD 0.00001; gnomAD exomes 0.00001; TOPMed 0.00001.
gnomAD v4.1: 15 of 1,613,920 alleles (0.00093%); highest among the groups gnomAD compares: Non-Finnish European, 0.0013%; no homozygotes.

Submissions (2):

Labcorp Genetics (formerly Invitae), Labcorp
Classification: Uncertain significance. Last evaluated: 2025-09-28. Review status: criteria provided, single submitter. Criteria: Invitae Variant Classification Sherloc (09022015). Collection method: clinical testing. Allele origin: germline.
Comment: This sequence change replaces proline, which is neutral and non-polar, with leucine, which is neutral and non-polar, at codon 210 of the CACNA2D4 protein (p.Pro210Leu). This variant is not present in population databases (gnomAD no frequency). This variant has not been reported in the literature in individuals affected with CACNA2D4-related conditions. ClinVar contains an entry for this variant (Variation ID: 1713502). An algorithm developed to predict the effect of missense changes on protein structure and function (PolyPhen-2) suggests that this variant is likely to be disruptive. In summary, the available evidence is currently insufficient to determine the role of this variant in disease. Therefore, it has been classified as a Variant of Uncertain Significance.

Blueprint Genetics
Classification: Uncertain significance. Last evaluated: 2022-10-08. Review status: criteria provided, single submitter. Criteria: ACMG Guidelines, 2015. Collection method: clinical testing. Allele origin: germline.